The following is an entry in ClinVar:

NM_206965.2(FTCD):c.1082C>T (p.Ala361Val)

Gene: FTCD (formimidoyltransferase cyclodeaminase; minus strand). Cytogenetic location: 21q22.3.
Variant type: single nucleotide variant.
Coding change: c.1082C>T on transcript NM_206965.2 (MANE Select); coding-DNA position 1082, C replaced by T.
Protein change: p.Ala361Val; replaces alanine 361 with valine.
Molecular consequence: missense variant.
Genome position (GRCh38, 1-based): chr21:46,145,834, G>A on the plus strand (C>T on the coding strand, the complement: FTCD is on the minus strand). VCF-style: chr21-46145834-G-A. GRCh37 (hg19) VCF-style: chr21-47565748-G-A.
Other names: c.1082C>T, p.Ala361Val (NM_001320412.2, NM_006657.3); short protein forms A361V.
Identifiers: ClinVar variation 3359481 (VCV003359481.2).
Genomic context (GRCh38, chr21:46,145,834, plus strand): 5'-CCCCCCAACAACTGCGCCTCCCCTGCCCCTCCCCCCGCGCTCACCATGGCCGCAGCGGCC[G>A]CCGCCACCGAGCCGCCCCCGGGGGCCGCAGAGCGGGCACCCACCTCCCCCACGAAGGCGC-3'
Protein context (NP_996848.1, residues 351-371): SAAPGGGSVA[Ala361Val]AAAAMGAALG

ClinVar aggregate classification (germline): Uncertain significance. Review status: criteria provided, multiple submitters, no conflicts (2 of 4 stars). 2 submissions from 2 submitters: Uncertain significance (2). Last evaluated 2025-10-28.

Conditions:
Inborn genetic diseases. Identifiers: MedGen C0950123, MeSH D030342.

Submissions (2):

Ambry Genetics
Classification: Uncertain significance for Inborn genetic diseases. Last evaluated: 2025-10-28. Review status: criteria provided, single submitter. Criteria: Ambry Variant Classification Scheme 2023. Collection method: clinical testing. Allele origin: germline.

GeneDx
Classification: Uncertain significance. Last evaluated: 2023-06-06. Review status: criteria provided, single submitter. Criteria: GeneDx Variant Classification Process June 2021. Collection method: clinical testing. Allele origin: germline. Affected: yes.
Comment: Not observed at significant frequency in large population cohorts (gnomAD); In silico analysis supports that this missense variant has a deleterious effect on protein structure/function; Has not been previously published as pathogenic or benign to our knowledge